The following is an entry in ClinVar:

ClinVar aggregate classification (germline): Uncertain significance. Review status: reviewed by expert panel (3 of 4 stars). 4 submissions from 4 submitters: Uncertain significance (1). 3 of the submissions do not count toward it. Last evaluated 2024-05-13.

Conditions:
Mitochondrial disease. Also called: Mitochondrial disorder; Mitochondrial disorders. Identifiers: Orphanet 68380, MedGen C0751651, MeSH D028361, MONDO:0044970.
MELAS syndrome (MELAS). Also called: Juvenile myopathy, encephalopathy, lactic acidosis, stroke. Identifiers: Orphanet 550, MedGen C0162671, MONDO:0010789, OMIM 540000.
MERRF/MELAS overlap syndrome. Identifiers: MedGen C3151970.

Submissions (4):

ClinGen Mitochondrial Disease Nuclear and Mitochondrial  Variant Curation Expert Panel, ClinGen
Classification: Uncertain significance for Mitochondrial disease. Last evaluated: 2024-05-13. Review status: reviewed by expert panel. Criteria: clingen mito disease acmg specifications v1-1. Collection method: curation. Allele origin: germline. Inheritance: Mitochondrial inheritance.
Comment: The m.12207G>A variant in MT-TS2 has been reported in three individuals with primary mitochondrial disease to date. One person had clinical features consistent with myoclonic epilepsy with ragged red fibers (MERRF) and mitochondrial encephalomyopathy with lactic acidosis and stroke-like episodes (MELAS; PMID: 16950817), had complex I deficiency in muscle, and had the variant present at 92% heteroplasmy in muscle. The variant was undetectable in the mother’s blood. Another individual was reported as part of a primary mitochondrial disease cohort (PMID: 27450679) and was found to have the variant present at >60% in muscle and was undetectable in blood from the proband and mother. The variant was also seen in a Japanese family with diabetes, epilepsy, deafness, and developmental delay. The variant was found in the proband at 31.3% heteroplasmy in blood, 52.6% in saliva, and 73.9% in urinary sediment while the variant was found in the mother at 13.8%, 22.1%, and 29.4%, respectively (PMID: 36967720; PS4_supporting). This variant is absent in the GenBank dataset, Helix dataset, and gnomAD v3.1.2 (PM2_supporting). The computational predictor MitoTIP suggests this variant is deleterious (76.4 percentile) and HmtVAR predicts it to be deleterious with a score of 0.5 (PP3). There are no cybrids, single fiber studies, or other functional assays reported on this variant. In summary, this variant meets criteria to be classified as uncertain significance for primary mitochondrial disease inherited in a mitochondrial manner. This classification was approved by the NICHD/NINDS U24 ClinGen Mitochondrial Disease Variant Curation Expert Panel on May 13, 2024. Mitochondrial DNA-specific ACMG/AMP criteria applied (PMID: 32906214): PS4_supporting, PP3, PM2_supporting.

Mendelics
Classification: Pathogenic for MELAS syndrome. Last evaluated: 2022-05-04. Review status: criteria provided, single submitter. Criteria: Mendelics Assertion Criteria 2019. Collection method: clinical testing. Allele origin: germline. Not counted in ClinVar's aggregate classification.

OMIM
Classification: Pathogenic for MERRF/MELAS OVERLAP SYNDROME. Last evaluated: 2006-09-01. Review status: no assertion criteria provided. Collection method: literature only. Allele origin: germline. Not counted in ClinVar's aggregate classification.

GeneReviews
No classification provided. Condition: MELAS syndrome. Review status: no classification provided. Collection method: literature only. Allele origin: maternal. Not counted in ClinVar's aggregate classification.

Literature cited by the submitters: PubMed 16950817 (cited by OMIM and GeneReviews).

NC_012920.1(MT-TS2):m.12207G>A

Gene: MT-TS2 (mitochondrially encoded tRNA serine 2 (AGU/C); plus strand).
Variant type: single nucleotide variant.
Genome position: chrM-12207-G-A.
Other names: 12207G-A.
Identifiers: ClinVar variation 9561 (VCV000009561.4), dbSNP rs118203889, ClinGen allele CA120545.